The following is an entry in ClinVar:

ClinVar aggregate classification (germline): Likely benign. Review status: criteria provided, multiple submitters, no conflicts (2 of 4 stars). 2 submissions from 2 submitters: Likely benign (2). Last evaluated 2018-01-12.

Conditions:
Familial dysautonomia. Also called: HSAN III; FD. Identifiers: Orphanet 1764, MedGen C0013364, MONDO:0009131, OMIM 223900. Disease mechanism: loss of function.

Allele frequency attached by ClinVar (database versions not stated): TOPMed 0.00471; 1000 Genomes Project 0.01398; 1000 Genomes Project 30x 0.01655.

Submissions (2):

Illumina Laboratory Services, Illumina
Classification: Likely benign for Familial dysautonomia. Last evaluated: 2018-01-12. Review status: criteria provided, single submitter. Criteria: ICSL Variant Classification Criteria 13 December 2019. Collection method: clinical testing. Allele origin: germline.
Comment: This variant was observed in the ICSL laboratory as part of a predisposition screen in an ostensibly healthy population. It had not been previously curated by ICSL or reported in the Human Gene Mutation Database (HGMD: prior to June 1st, 2018), and was therefore a candidate for classification through an automated scoring system. Utilizing variant allele frequency, disease prevalence and penetrance estimates, and inheritance mode, an automated score was calculated to assess if this variant is too frequent to cause the disease. Based on the score and internal cut-off values, a variant classified as likely benign is not then subjected to further curation. The score for this variant resulted in a classification of likely benign for this disease.

Breakthrough Genomics
Classification: Likely benign. Review status: criteria provided, single submitter. Criteria: ACMG Guidelines, 2015. Collection method: not provided. Allele origin: germline. Inheritance: Autosomal recessive inheritance. Affected: yes.

NM_003640.5(ELP1):c.-155A>G

Gene: ELP1 (elongator acetyltransferase complex subunit 1; minus strand). Cytogenetic location: 9q31.3.
Variant type: single nucleotide variant.
Coding change: c.-155A>G on transcript NM_003640.5 (MANE Select); 155 bases upstream of the start codon, A replaced by G.
Molecular consequence: 5 prime UTR variant.
Genome position (GRCh38, 1-based): chr9:108,933,963, T>C on the plus strand (A>G on the coding strand, the complement: ELP1 is on the minus strand). VCF-style: chr9-108933963-T-C. GRCh37 (hg19) VCF-style: chr9-111696243-T-C.
Other names: c.-352A>G (NM_001318360.2); c.-1014A>G (NM_001330749.2); c.-155A>G (LRG_251t1).
Identifiers: ClinVar variation 364587 (VCV000364587.6), dbSNP rs117100816, ClinGen allele CA10632231.